The following is an entry in ClinVar:

ClinVar aggregate classification (germline): Uncertain significance. Review status: criteria provided, multiple submitters, no conflicts (2 of 4 stars). 2 submissions from 2 submitters: Uncertain significance (2). Last evaluated 2020-08-19.

Allele frequency attached by ClinVar (database versions not stated): gnomAD exomes below 0.00001; ExAC 0.00001; gnomAD 0.00001; TOPMed 0.00001.

Submissions (2):

Athena Diagnostics
Classification: Uncertain significance. Last evaluated: 2020-08-19. Review status: criteria provided, single submitter. Criteria: Athena Diagnostics Criteria. Collection method: clinical testing. Allele origin: unknown.

GeneDx
Classification: Uncertain significance. Last evaluated: 2020-05-28. Review status: criteria provided, single submitter. Criteria: GeneDx Variant Classification Process June 2021. Collection method: clinical testing. Allele origin: germline. Affected: yes.
Comment: Not observed at a significant frequency in large population cohorts (Lek et al., 2016)

NM_001267550.2(TTN):c.83674G>A (p.Gly27892Ser)

Genes: TTN (titin; minus strand), TTN-AS1 (TTN antisense RNA 1; plus strand). Cytogenetic location: 2q31.2.
Variant type: single nucleotide variant.
Coding change: c.83674G>A on transcript NM_001267550.2 (MANE Select); coding-DNA position 83674, G replaced by A.
Protein change: p.Gly27892Ser; replaces glycine 27892 with serine.
Molecular consequence: missense variant.
Genome position (GRCh38, 1-based): chr2:178,562,458, C>T on the plus strand (G>A on the coding strand, the complement: TTN is on the minus strand). VCF-style: chr2-178562458-C-T. GRCh37 (hg19) VCF-style: chr2-179427185-C-T.
Other names: c.78751G>A, p.Gly26251Ser (NM_001256850.1); c.56479G>A, p.Gly18827Ser (NM_003319.4); c.75970G>A, p.Gly25324Ser (NM_133378.4); c.56854G>A, p.Gly18952Ser (NM_133432.3); c.57055G>A, p.Gly19019Ser (NM_133437.4); short protein forms G18827S, G18952S, G19019S, G25324S, G26251S, G27892S.
Identifiers: ClinVar variation 994588 (VCV000994588.3), dbSNP rs765177625, ClinGen allele CA1988888.
Genomic context (GRCh38, chr2:178,562,458, plus strand): 5'-TGCTCCACTTTTCACTCCCTTTAGTCTGCATTTCAACCACATAACCAGTAATTTTGCTGC[C>T]ACCATCACTTTCTGGTTTCTCCCACTTAATTGTAGCTGTATTACGGGTCACATCAACAAG-3'
Protein context (NP_001254479.2, residues 27882-27902): IKWEKPESDG[Gly27892Ser]SKITGYVVEM